The following is an entry in ClinVar:

NM_003036.4(SKI):c.2006A>G (p.Asp669Gly)

Gene: SKI (SKI proto-oncogene; plus strand). Cytogenetic location: 1p36.32.
Variant type: single nucleotide variant.
Coding change: c.2006A>G on transcript NM_003036.4 (MANE Select); coding-DNA position 2006, A replaced by G.
Protein change: p.Asp669Gly; replaces aspartic acid 669 with glycine.
Molecular consequence: missense variant.
Genome position (GRCh38, 1-based): chr1:2,306,584, A>G. VCF-style: chr1-2306584-A-G. GRCh37 (hg19) VCF-style: chr1-2238023-A-G.
Other names: short protein forms D669G.
Identifiers: ClinVar variation 2106448 (VCV002106448.4), dbSNP rs1640589100, ClinGen allele CA337959505.

ClinVar aggregate classification (germline): Uncertain significance (1 of 4 stars; one submission).

Conditions:
Shprintzen-Goldberg syndrome (SGS). Also called: Marfanoid disorder with craniosynostosis type 1; Marfanoid craniosynostosis syndrome; Shprintzen-Goldberg marfanoid syndrome; SHPRINTZEN-GOLDBERG CRANIOSYNOSTOSIS SYNDROME; CRANIOSYNOSTOSIS WITH ARACHNODACTYLY AND ABDOMINAL HERNIAS. Identifiers: Orphanet 2462, MedGen C1321551, MONDO:0008426, OMIM 182212.

Submission:

Labcorp Genetics (formerly Invitae), Labcorp
Classification: Uncertain significance for Shprintzen-Goldberg syndrome. Last evaluated: 2023-05-22. Review status: criteria provided, single submitter. Criteria: Invitae Variant Classification Sherloc (09022015). Collection method: clinical testing. Allele origin: germline.
Comment: In summary, the available evidence is currently insufficient to determine the role of this variant in disease. Therefore, it has been classified as a Variant of Uncertain Significance. Advanced modeling of protein sequence and biophysical properties (such as structural, functional, and spatial information, amino acid conservation, physicochemical variation, residue mobility, and thermodynamic stability) has been performed at Invitae for this missense variant, however the output from this modeling did not meet the statistical confidence thresholds required to predict the impact of this variant on SKI protein function. ClinVar contains an entry for this variant (Variation ID: 2106448). This variant has not been reported in the literature in individuals affected with SKI-related conditions. This variant is not present in population databases (gnomAD no frequency). This sequence change replaces aspartic acid, which is acidic and polar, with glycine, which is neutral and non-polar, at codon 669 of the SKI protein (p.Asp669Gly).